The following is an entry in ClinVar:

ClinVar aggregate classification (germline): Benign. Review status: criteria provided, multiple submitters, no conflicts (2 of 4 stars). 4 submissions from 4 submitters: Benign (3). 1 of the submissions does not count toward it. Last evaluated 2026-02-01.

Conditions:
Mucopolysaccharidosis, MPS-III-D (MPS3D). Also called: MPS IIID (Sanfilippo Syndrome Type D); MPS III D; Mucopoly-saccharidosis type 3D; N-acetylglucosamine-6-sulfate sulfatase deficiency; MPS 3D; N-ACETYLGLUCOSAMINE-6-SULFATASE DEFICIENCY. Identifiers: Orphanet 581, Orphanet 79272, MedGen C0086650, MONDO:0009658, OMIM 252940.

Allele frequency attached by ClinVar (database versions not stated): gnomAD exomes 0.00405; ExAC 0.00483; gnomAD 0.01673; ESP Exome Variant Server 0.01815; 1000 Genomes Project 0.01837; 1000 Genomes Project 30x 0.02061; TOPMed 0.01790.
gnomAD v4.1: 4,292 of 1,353,782 alleles (0.32%); highest among the groups gnomAD compares: African/African-American, 5.3%; 120 homozygotes.

Submissions (4):

Labcorp Genetics (formerly Invitae), Labcorp
Classification: Benign for Mucopolysaccharidosis, MPS-III-D. Last evaluated: 2026-02-01. Review status: criteria provided, single submitter. Criteria: Invitae Variant Classification Sherloc (09022015). Collection method: clinical testing. Allele origin: germline.

Illumina Laboratory Services, Illumina
Classification: Benign for Mucopolysaccharidosis, MPS-III-D. Last evaluated: 2018-01-13. Review status: criteria provided, single submitter. Criteria: ICSL Variant Classification Criteria 13 December 2019. Collection method: clinical testing. Allele origin: germline.
Comment: This variant was observed in the ICSL laboratory as part of a predisposition screen in an ostensibly healthy population. It had not been previously curated by ICSL or reported in the Human Gene Mutation Database (HGMD: prior to June 1st, 2018), and was therefore a candidate for classification through an automated scoring system. Utilizing variant allele frequency, disease prevalence and penetrance estimates, and inheritance mode, an automated score was calculated to assess if this variant is too frequent to cause the disease. Based on the score and internal cut-off values, a variant classified as benign is not then subjected to further curation. The score for this variant resulted in a classification of benign for this disease.

Eurofins Ntd Llc (ga)
Classification: Benign. Last evaluated: 2017-01-31. Review status: criteria provided, single submitter. Criteria: EGL Classification Definitions 2015. Collection method: clinical testing. Allele origin: germline. Observed: 1 variant allele, 1 heterozygote.

Mayo Clinic Laboratories, Mayo Clinic
Classification: Benign. Last evaluated: 2017-05-15. Review status: no assertion criteria provided. Collection method: clinical testing. Allele origin: unknown. Not counted in ClinVar's aggregate classification.

NM_002076.4(GNS):c.459+14T>C

Gene: GNS (glucosamine (N-acetyl)-6-sulfatase; minus strand). Cytogenetic location: 12q14.3.
Variant type: single nucleotide variant.
Coding change: c.459+14T>C on transcript NM_002076.4 (MANE Select); 14 bases into the intron after coding-DNA position 459, T replaced by C.
Molecular consequence: intron variant.
Genome position (GRCh38, 1-based): chr12:64,747,698, A>G on the plus strand (T>C on the coding strand, the complement: GNS is on the minus strand). VCF-style: chr12-64747698-A-G. GRCh37 (hg19) VCF-style: chr12-65141478-A-G.
Identifiers: ClinVar variation 310209 (VCV000310209.19), dbSNP rs78614637, ClinGen allele CA6669949.